The following is an entry in ClinVar:

NM_001904.4(CTNNB1):c.923del (p.Asn308fs)

Gene: CTNNB1 (catenin beta 1; plus strand). Cytogenetic location: 3p22.1.
Variant type: Deletion.
Coding change: c.923del on transcript NM_001904.4 (MANE Select); coding-DNA position 923, one base deleted (A; older notation c.923delA).
Protein change: p.Asn308fs; shifts the reading frame from asparagine 308.
Molecular consequence: frameshift variant.
Genome position (GRCh38, 1-based): chr3:41,225,848, A deleted; the last of 2 consecutive A bases (chr3:41,225,847-41,225,848); deleting either gives the same sequence. VCF-style (leftmost placement, unchanged base first): chr3-41225846-CA-C. GRCh37 (hg19) VCF-style: chr3-41267337-CA-C.
Other names: c.923del, p.Asn308fs (NM_001098209.2, NM_001098210.2); c.902del, p.Asn301fs (NM_001330729.2); short protein forms N301fs, N308fs.
Identifiers: ClinVar variation 2444413 (VCV002444413.1), dbSNP rs2470791025, ClinGen allele CA2580069825.
Genomic context (GRCh38, chr3:41,225,846, plus strand): 5'-CAAAACAAATGTTAAATTCTTGGCTATTACGACAGACTGCCTTCAAATTTTAGCTTATGG[CA>C]ACCAAGAAAGCAAGGTAAGAGAATTATTCTTTATGTGGTTTTCATGGAGCATTGGACACC-3'

ClinVar aggregate classification (germline): Likely pathogenic (1 of 4 stars; one submission).

Conditions:
Severe intellectual disability-progressive spastic diplegia syndrome (NEDSDV). Also called: NEURODEVELOPMENTAL DISORDER WITH SPASTIC DIPLEGIA AND VISUAL DEFECTS; CTNNB1 Neurodevelopmental Disorder. Identifiers: Orphanet 404473, MedGen C3554449, MONDO:0014035, OMIM 615075.

Submission:

3billion
Classification: Likely pathogenic for Severe intellectual disability-progressive spastic diplegia syndrome. Last evaluated: 2023-02-23. Review status: criteria provided, single submitter. Criteria: ACMG Guidelines, 2015. Collection method: clinical testing. Allele origin: unknown. Affected: yes.
Comment: The variant is not observed in the gnomAD v2.1.1 dataset. This variant was predicted to result in a loss or disruption of normal protein function through nonsense-mediated decay (NMD) or protein truncation. Multiple pathogenic variants are reported downstream of the variant. Therefore, this variant is classified as Likely pathogenic according to the recommendation of ACMG/AMP guideline.